The following is an entry in ClinVar:

ClinVar aggregate classification (germline): Benign. Review status: criteria provided, multiple submitters, no conflicts (2 of 4 stars). 2 submissions from 2 submitters: Benign (2). Last evaluated 2018-06-19.

Allele frequency attached by ClinVar (database versions not stated): 1000 Genomes Project 0.06010; 1000 Genomes Project 30x 0.06074; TOPMed 0.06583; gnomAD exomes 0.07529; gnomAD 0.07533 and 0.07541.
gnomAD v4.1: 108,846 of 1,447,310 alleles (7.5%); highest among the groups gnomAD compares: Middle Eastern, 12%; 4,380 homozygotes.

Submissions (2):

GeneDx
Classification: Benign. Last evaluated: 2018-06-19. Review status: criteria provided, single submitter. Criteria: GeneDx Variant Classification (06012015). Collection method: clinical testing. Allele origin: germline. Affected: yes.
Comment: This variant is considered likely benign or benign based on one or more of the following criteria: it is a conservative change, it occurs at a poorly conserved position in the protein, it is predicted to be benign by multiple in silico algorithms, and/or has population frequency not consistent with disease.

Breakthrough Genomics
Classification: Benign. Review status: criteria provided, single submitter. Criteria: ACMG Guidelines, 2015. Collection method: not provided. Allele origin: germline. Inheritance: Autosomal recessive inheritance. Affected: yes.

NM_020191.4(MRPS22):c.172+79G>A

Genes: MRPS22 (mitochondrial ribosomal protein S22; plus strand), LOC112903839 (Sharpr-MPRA regulatory region 3993; plus strand). Cytogenetic location: 3q23.
Variant type: single nucleotide variant.
Coding change: c.172+79G>A on transcript NM_020191.4 (MANE Select); 79 bases into the intron after coding-DNA position 172, G replaced by A.
Molecular consequence: intron variant.
Genome position (GRCh38, 1-based): chr3:139,344,277, G>A. VCF-style: chr3-139344277-G-A. GRCh37 (hg19) VCF-style: chr3-139063119-G-A.
Other names: c.172+79G>A (NM_001363893.1).
Identifiers: ClinVar variation 676316 (VCV000676316.2), dbSNP rs74877536, ClinGen allele CA11379857.